The following is an entry in ClinVar:

ClinVar aggregate classification (germline): Benign/Likely benign. Review status: criteria provided, multiple submitters, no conflicts (2 of 4 stars). 3 submissions from 3 submitters: Benign (1); Likely benign (2). Last evaluated 2026-07-13.

Conditions:
Hereditary cancer-predisposing syndrome. Also called: Hereditary Cancer Syndrome; Hereditary neoplastic syndrome; Neoplastic Syndromes, Hereditary; Tumor predisposition. Identifiers: Orphanet 140162, MedGen C0027672, MeSH D009386, MONDO:0015356.
Rhabdoid tumor predisposition syndrome 2 (RTPS2). Identifiers: Orphanet 231108, Orphanet 69077, MedGen C2750074, MONDO:0013224, OMIM 613325.

gnomAD v4.1: 2 of 1,612,582 alleles (0.00012%); highest among the groups gnomAD compares: African/African-American, 0.0027%; no homozygotes.

Submissions (3):

Myriad Genetics, Inc.
Classification: Benign for Rhabdoid tumor predisposition syndrome 2. Last evaluated: 2026-07-13. Review status: criteria provided, single submitter. Criteria: Myriad Autosomal Dominant, Autosomal Recessive and X-Linked Classification Criteria (2023). Collection method: clinical testing. Allele origin: unknown.
Comment: This variant is considered benign. This variant is a silent/synonymous amino acid change and it is not expected to impact splicing.

Labcorp Genetics (formerly Invitae), Labcorp
Classification: Likely benign for Rhabdoid tumor predisposition syndrome 2. Last evaluated: 2024-05-01. Review status: criteria provided, single submitter. Criteria: Invitae Variant Classification Sherloc (09022015). Collection method: clinical testing. Allele origin: germline.

Ambry Genetics
Classification: Likely benign for Hereditary cancer-predisposing syndrome. Last evaluated: 2023-03-31. Review status: criteria provided, single submitter. Criteria: Ambry Variant Classification Scheme 2023. Collection method: clinical testing. Allele origin: germline.

NM_003072.5(SMARCA4):c.2535C>G (p.Val845=)

Gene: SMARCA4 (SWI/SNF related BAF chromatin remodeling complex subunit ATPase 4; plus strand). Cytogenetic location: 19p13.2.
Variant type: single nucleotide variant.
Coding change: c.2535C>G on transcript NM_003072.5 (MANE Select); coding-DNA position 2535, C replaced by G.
Protein change: p.Val845=; no amino-acid change (valine 845 retained).
Molecular consequence: synonymous variant. On other transcripts: non-coding transcript variant (1).
Genome position (GRCh38, 1-based): chr19:11,019,620, C>G. VCF-style: chr19-11019620-C-G. GRCh37 (hg19) VCF-style: chr19-11130296-C-G.
Other names: c.2535C>G, p.Val845= (NM_001128844.3, NM_001128845.2, NM_001128846.2 and 5 more transcripts); c.2535C>G (NM_001128849.1).
Identifiers: ClinVar variation 1107923 (VCV001107923.11), dbSNP rs986151175, ClinGen allele CA505490233.